The following is an entry in ClinVar:

NM_012418.4(FSCN2):c.1428_1438del (p.Leu477fs)

Gene: FSCN2 (fascin actin-bundling protein 2, retinal; plus strand). Cytogenetic location: 17q25.3.
Variant type: Deletion.
Coding change: c.1428_1438del on transcript NM_012418.4 (MANE Select); coding-DNA positions 1428 to 1438, 11 bases deleted (GCTGCGGGCCG).
Protein change: p.Leu477fs; shifts the reading frame from leucine 477.
Molecular consequence: frameshift variant.
Genome position (GRCh38, 1-based): chr17:81,537,029-81,537,039, GCTGCGGGCCG deleted. VCF-style (leftmost placement, unchanged base first): chr17-81537028-TGCTGCGGGCCG-T. GRCh37 (hg19) VCF-style: chr17-79504054-TGCTGCGGGCCG-T.
Other names: c.1500_1510del, p.Leu501fs (NM_001077182.3); short protein forms L477fs, L501fs.
Identifiers: ClinVar variation 3638530 (VCV003638530.2).
Genomic context (GRCh38, chr17:81,537,028, plus strand): 5'-GCGGCCGCCTGGCCATCCGCGCCCGGAGCGGCAAGTACCTGCGCGGCGGCGCCTCGGGCC[TGCTGCGGGCCG>T]ATGCCGACGCCCCGGCCGGGACCGCGCTTTGGGAGTACTGAGGCCGCGCCCAGACCAGCC-3'

ClinVar aggregate classification (germline): Uncertain significance (1 of 4 stars; one submission).

Submission:

Labcorp Genetics (formerly Invitae), Labcorp
Classification: Uncertain significance. Last evaluated: 2024-02-02. Review status: criteria provided, single submitter. Criteria: Invitae Variant Classification Sherloc (09022015). Collection method: clinical testing. Allele origin: germline.
Comment: This sequence change results in a frameshift in the FSCN2 gene (p.Leu501Cysfs*24). While this is not anticipated to result in nonsense mediated decay, it is expected to disrupt the last 16 amino acid(s) of the FSCN2 protein and extend the protein by 7 additional amino acid residues. This variant is not present in population databases (gnomAD no frequency). This variant has not been reported in the literature in individuals affected with FSCN2-related conditions. Experimental studies and prediction algorithms are not available or were not evaluated, and the functional significance of this variant is currently unknown. In summary, the available evidence is currently insufficient to determine the role of this variant in disease. Therefore, it has been classified as a Variant of Uncertain Significance.